The following is an entry in ClinVar:

NM_000038.6(APC):c.1174C>G (p.His392Asp)

Gene: APC (APC regulator of Wnt signaling pathway; plus strand). Cytogenetic location: 5q22.2.
Variant type: single nucleotide variant.
Coding change: c.1174C>G on transcript NM_000038.6 (MANE Select); coding-DNA position 1174, C replaced by G.
Protein change: p.His392Asp; replaces histidine 392 with aspartic acid.
Molecular consequence: missense variant. On other transcripts: non-coding transcript variant (2), intron variant (15).
Genome position (GRCh38, 1-based): chr5:112,819,206, C>G. VCF-style: chr5-112819206-C-G. GRCh37 (hg19) VCF-style: chr5-112154903-C-G.
Other names: c.1174C>G, p.His392Asp (NM_001127510.3, NM_001354895.2, NM_001354896.2 and 4 more transcripts); c.1120C>G, p.His374Asp (NM_001127511.3); c.1204C>G, p.His402Asp (NM_001354897.2, NM_001407446.1); c.1099C>G, p.His367Asp (NM_001354898.2, NM_001407451.1); c.1090C>G, p.His364Asp (NM_001354899.2, NM_001407452.1); c.997C>G, p.His333Asp (NM_001354900.2, NM_001354901.2, NM_001407453.1); c.325C>G, p.His109Asp (NM_001354906.2, NM_001407470.1); c.85-63C>G (NM_001407472.1, NM_001407471.1); and 5 more; short protein forms H333D, H374D, H392D, H109D, H367D, H402D, H364D.
Identifiers: ClinVar variation 3409482 (VCV003409482.1).

ClinVar aggregate classification (germline): Uncertain significance (1 of 4 stars; one submission).

Conditions:
Hereditary cancer-predisposing syndrome. Also called: Neoplastic Syndromes, Hereditary; Tumor predisposition; Hereditary Cancer Syndrome; Hereditary neoplastic syndrome. Identifiers: Orphanet 140162, MedGen C0027672, MeSH D009386, MONDO:0015356.

Submission:

Ambry Genetics
Classification: Uncertain significance for Hereditary cancer-predisposing syndrome. Last evaluated: 2024-06-30. Review status: criteria provided, single submitter. Criteria: Ambry Variant Classification Scheme 2023. Collection method: clinical testing. Allele origin: germline.
Comment: The p.H392D variant (also known as c.1174C>G), located in coding exon 9 of the APC gene, results from a C to G substitution at nucleotide position 1174. The histidine at codon 392 is replaced by aspartic acid, an amino acid with similar properties. This amino acid position is conserved. In addition, in silico predictors for this gene do not accurately predict pathogenicity. Based on the available evidence, the clinical significance of this variant remains unclear.